The following is an entry in ClinVar:

ClinVar aggregate classification (germline): Conflicting classifications of pathogenicity. Review status: criteria provided, conflicting classifications (1 of 4 stars). 3 submissions from 3 submitters: Uncertain significance (1); Likely benign (2). Last evaluated 2026-09-01.

Conditions:
Dilated cardiomyopathy 1G (CMD1G). Identifiers: Orphanet 154, MedGen C1858763, MONDO:0011400, OMIM 604145.
Autosomal recessive limb-girdle muscular dystrophy type 2J (LGMDR10). Also called: Limb-girdle muscular dystrophy, type 2J; MUSCULAR DYSTROPHY, LIMB-GIRDLE, AUTOSOMAL RECESSIVE 10. Identifiers: Orphanet 140922, MedGen C1837342, MONDO:0012127, OMIM 608807.

Allele frequency attached by ClinVar (database versions not stated): gnomAD below 0.00001 and 0.00002; TOPMed below 0.00001; gnomAD exomes 0.00005 and 0.00012; ExAC 0.00013.
gnomAD v4.1: 81 of 1,610,472 alleles (0.005%); highest among the groups gnomAD compares: South Asian, 0.085%; 2 homozygotes.

Submissions (3):

CeGaT Center for Human Genetics Tuebingen
Classification: Likely benign. Last evaluated: 2026-09-01. Review status: criteria provided, single submitter. Criteria: CeGaT Center For Human Genetics Tuebingen Variant Classification Criteria Version 2. Collection method: clinical testing. Allele origin: germline. Affected: yes. Observed: 1 variant allele.
Comment: TTN: BP4

Labcorp Genetics (formerly Invitae), Labcorp
Classification: Likely benign for Dilated cardiomyopathy 1G; Autosomal recessive limb-girdle muscular dystrophy type 2J. Last evaluated: 2025-08-05. Review status: criteria provided, single submitter. Criteria: Invitae Variant Classification Sherloc (09022015). Collection method: clinical testing. Allele origin: germline.

Revvity Omics, Revvity
Classification: Uncertain significance. Last evaluated: 2023-04-03. Review status: criteria provided, single submitter. Criteria: ACMG Guidelines, 2015. Collection method: clinical testing. Allele origin: germline.

NM_001267550.2(TTN):c.25956A>G (p.Ile8652Met)

Gene: TTN (titin; minus strand). Cytogenetic location: 2q31.2.
Variant type: single nucleotide variant.
Coding change: c.25956A>G on transcript NM_001267550.2 (MANE Select); coding-DNA position 25956, A replaced by G.
Protein change: p.Ile8652Met; replaces isoleucine 8652 with methionine.
Molecular consequence: missense variant. On other transcripts: intron variant (3).
Genome position (GRCh38, 1-based): chr2:178,715,230, T>C on the plus strand (A>G on the coding strand, the complement: TTN is on the minus strand). VCF-style: chr2-178715230-T-C. GRCh37 (hg19) VCF-style: chr2-179579957-T-C.
Other names: c.25005A>G, p.Ile8335Met (NM_001256850.1); c.22224A>G, p.Ile7408Met (NM_133378.4); c.13282+22852A>G (NM_003319.4); c.13858+22852A>G (NM_133437.4); c.13657+22852A>G (NM_133432.3); short protein forms I7408M, I8652M, I8335M.
Identifiers: ClinVar variation 702666 (VCV000702666.12), dbSNP rs760452917, ClinGen allele CA2000093.